The following is an entry in ClinVar:

NM_003924.4(PHOX2B):c.803dup (p.Gly270fs)

Gene: PHOX2B (paired like homeobox 2B; minus strand). Cytogenetic location: 4p13.
Variant type: Duplication.
Coding change: c.803dup on transcript NM_003924.4 (MANE Select); coding-DNA position 803, one base duplicated (G; older notation c.803dupG).
Protein change: p.Gly270fs; shifts the reading frame from glycine 270.
Molecular consequence: frameshift variant.
Genome position (GRCh38, 1-based): chr4:41,745,949, C duplicated on the plus strand (G on the coding strand, the reverse complement: PHOX2B is on the minus strand); the first of 5 consecutive C bases (chr4:41,745,949-41,745,953); duplicating any one gives the same sequence. VCF-style (leftmost placement, unchanged base first): chr4-41745948-G-GC. GRCh37 (hg19) VCF-style: chr4-41747965-G-GC.
Other names: c.803dupG (NM_003924.3); short protein forms G270fs.
Identifiers: ClinVar variation 3345671 (VCV003345671.1).

ClinVar aggregate classification (germline): Likely pathogenic (0 of 4 stars; one submission).

Conditions:
PHOX2B-related disorder. Also called: PHOX2B-related condition.

Submission:

PreventionGenetics, part of Exact Sciences
Classification: Likely pathogenic for PHOX2B-related condition. Last evaluated: 2024-08-27. Review status: no assertion criteria provided. Collection method: clinical testing. Allele origin: germline.
Comment: The PHOX2B c.803dupG variant is predicted to result in a frameshift and premature protein termination (p.Gly270Trpfs*90). To our knowledge, this variant has not been reported in the literature or in a large population database, indicating this variant is rare. Frameshift variants in PHOX2B are expected to be pathogenic. This variant is interpreted as likely pathogenic.